The following is an entry in ClinVar:

NM_001042492.3(NF1):c.7504G>C (p.Gly2502Arg)

Gene: NF1 (neurofibromin 1; plus strand). Cytogenetic location: 17q11.2.
Variant type: single nucleotide variant.
Coding change: c.7504G>C on transcript NM_001042492.3 (MANE Select); coding-DNA position 7504, G replaced by C.
Protein change: p.Gly2502Arg; replaces glycine 2502 with arginine.
Molecular consequence: missense variant.
Genome position (GRCh38, 1-based): chr17:31,352,303, G>C. VCF-style: chr17-31352303-G-C. GRCh37 (hg19) VCF-style: chr17-29679321-G-C.
Other names: c.7441G>C, p.Gly2481Arg (NM_000267.4); short protein forms G2481R, G2502R.
Identifiers: ClinVar variation 481894 (VCV000481894.11), dbSNP rs1555536357, ClinGen allele CA399017528.

ClinVar aggregate classification (germline): Uncertain significance. Review status: criteria provided, multiple submitters, no conflicts (2 of 4 stars). 4 submissions from 3 submitters: Uncertain significance (4). Last evaluated 2023-04-15.

Conditions:
Cardiovascular phenotype. Identifiers: MedGen CN230736.
Hereditary cancer-predisposing syndrome. Also called: Hereditary neoplastic syndrome; Neoplastic Syndromes, Hereditary; Tumor predisposition; Hereditary Cancer Syndrome. Identifiers: Orphanet 140162, MedGen C0027672, MeSH D009386, MONDO:0015356.
Neurofibromatosis, type 1 (NF1). Also called: VON RECKLINGHAUSEN DISEASE; Peripheral type neurofibromatosis; NEUROFIBROMATOSIS, TYPE I, SOMATIC; Neurofibromatosis, type I. Identifiers: Orphanet 636, MedGen C0027831, MONDO:0018975, OMIM 162200. Disease mechanism: loss of function.

Allele frequency attached by ClinVar (database versions not stated): gnomAD exomes 0.00001.
gnomAD v4.1: 10 of 1,614,096 alleles (0.00062%); highest among the groups gnomAD compares: Non-Finnish European, 0.00085%; no homozygotes.

Submissions (4):

Labcorp Genetics (formerly Invitae), Labcorp
Classification: Uncertain significance for Neurofibromatosis, type 1. Last evaluated: 2023-04-15. Review status: criteria provided, single submitter. Criteria: Invitae Variant Classification Sherloc (09022015). Collection method: clinical testing. Allele origin: germline.
Comment: ClinVar contains an entry for this variant (Variation ID: 481894). In summary, the available evidence is currently insufficient to determine the role of this variant in disease. Therefore, it has been classified as a Variant of Uncertain Significance. Advanced modeling of protein sequence and biophysical properties (such as structural, functional, and spatial information, amino acid conservation, physicochemical variation, residue mobility, and thermodynamic stability) performed at Invitae indicates that this missense variant is not expected to disrupt NF1 protein function. This variant has not been reported in the literature in individuals affected with NF1-related conditions. This variant is not present in population databases (gnomAD no frequency). This sequence change replaces glycine, which is neutral and non-polar, with arginine, which is basic and polar, at codon 2481 of the NF1 protein (p.Gly2481Arg).

Genome-Nilou Lab
Classification: Uncertain significance for Neurofibromatosis, type 1. Last evaluated: 2022-03-15. Review status: criteria provided, single submitter. Criteria: ACMG Guidelines, 2015. Collection method: clinical testing. Allele origin: germline. Affected: no.

Ambry Genetics
Classification: Uncertain significance for Cardiovascular phenotype; Hereditary cancer-predisposing syndrome. Last evaluated: 2022-03-11. Review status: criteria provided, single submitter. Criteria: Ambry Variant Classification Scheme 2023. Collection method: clinical testing. Allele origin: germline.

Ambry Genetics
Classification: Uncertain significance for Hereditary cancer-predisposing syndrome. Last evaluated: 2016-02-01. Review status: criteria provided, single submitter. Criteria: Ambry Autosomal Dominant and X-Linked criteria (10/2015). Collection method: clinical testing. Allele origin: germline. Observed: 1 variant allele.
Comment: The p.G2502R variant (also known as c.7504G>C), located in coding exon 51 of the NF1 gene, results from a G to C substitution at nucleotide position 7504. The glycine at codon 2502 is replaced by arginine, an amino acid with dissimilar properties. This variant was not reported in population based cohorts in the following databases: Database of Single Nucleotide Polymorphisms (dbSNP), NHLBI Exome Sequencing Project (ESP), and 1000 Genomes Project. In the ESP, this variant was not observed in 6503 samples (13006 alleles) with coverage at this position. To date, this alteration has been detected with an allele frequency of approximately 0.001% (greater than 110000alleles tested) in our clinical cohort.This amino acid position is not well conserved in available vertebrate species. In addition, this alteration is predicted to be tolerated by in silico analysis.Since supporting evidence is limited at this time, the clinical significance of this alterationremains unclear.